The following is an entry in ClinVar:

NM_032217.5(ANKRD17):c.7408+15C>T

Gene: ANKRD17 (ankyrin repeat domain 17; minus strand). Cytogenetic location: 4q13.3.
Variant type: single nucleotide variant.
Coding change: c.7408+15C>T on transcript NM_032217.5 (MANE Select); 15 bases into the intron after coding-DNA position 7408, C replaced by T.
Molecular consequence: intron variant.
Genome position (GRCh38, 1-based): chr4:73,078,627, G>A on the plus strand (C>T on the coding strand, the complement: ANKRD17 is on the minus strand). VCF-style: chr4-73078627-G-A. GRCh37 (hg19) VCF-style: chr4-73944344-G-A.
Other names: c.6655+15C>T (NM_198889.3); c.7405+15C>T (NM_015574.2); c.7069+15C>T (NM_001286771.3).
Identifiers: ClinVar variation 2637705 (VCV002637705.1), dbSNP rs2110086825, ClinGen allele CA2695199386.

ClinVar aggregate classification (germline): Likely benign (1 of 4 stars; one submission).

Submission:

Women's Health and Genetics/Laboratory Corporation of America, LabCorp
Classification: Likely benign. Last evaluated: 2023-10-12. Review status: criteria provided, single submitter. Criteria: LabCorp Variant Classification Summary - May 2015. Collection method: clinical testing. Allele origin: germline.
Comment: Variant summary: ANKRD17 c.7408+15C>T alters a non-conserved nucleotide located at a position not widely known to affect splicing. Consensus agreement among computation tools predict no significant impact on normal splicing. However, these predictions have yet to be confirmed by functional studies. The variant was absent in 250614 control chromosomes. The available data on variant occurrences in the general population are insufficient to allow any conclusion about variant significance. To our knowledge, no occurrence of c.7408+15C>T in individuals affected with Chopra-Amiel Syndrome and no experimental evidence demonstrating its impact on protein function have been reported. No submitters have cited clinical-significance assessments for this variant to ClinVar after 2014. Based on the evidence outlined above, the variant was classified as likely benign.